The following is an entry in ClinVar:

NM_000032.5(ALAS2):c.304G>A (p.Asp102Asn)

Genes: ALAS2 (5'-aminolevulinate synthase 2; minus strand), LOC108663984 (ALAS2 intron 1 and 3 erythroid regulatory elements; plus strand). Cytogenetic location: Xp11.21.
Variant type: single nucleotide variant.
Coding change: c.304G>A on transcript NM_000032.5 (MANE Select); coding-DNA position 304, G replaced by A.
Protein change: p.Asp102Asn; replaces aspartic acid 102 with asparagine.
Molecular consequence: missense variant.
Genome position (GRCh38, 1-based): chrX:55,024,718, C>T on the plus strand (G>A on the coding strand, the complement: ALAS2 is on the minus strand). VCF-style: chrX-55024718-C-T. GRCh37 (hg19) VCF-style: chrX-55051151-C-T.
Other names: c.304G>A, p.Gly102Arg (NM_001037967.4); c.376G>A, p.Gly126Arg (NM_001037968.4); short protein forms D102N, G102R, G126R.
Identifiers: ClinVar variation 4531340 (VCV004531340.3).
Genomic context (GRCh38, chrX:55,024,718, plus strand): 5'-TGACGTAGTGTGTTCAAGCATTAGGAGTAAAGGTTGCATAAGGTGGAACTTGACTCCAAC[C>T]TGTCTTGAAAGCCTTCACATCTTCCTGGACTTCTGGGGCTGCCTTCTGCACAATCTTGCT-3'
Protein context (NP_000023.2, residues 92-112): VQEDVKAFKT[Asp102Asn]LPSSLVSVSL

ClinVar aggregate classification (germline): Uncertain significance (1 of 4 stars; one submission).

Conditions:
X-linked sideroblastic anemia 1. Also called: Erythroid 5-aminolevulinate synthase deficiency; X chromosome-linked sideroblastic anemia; X-linked pyridoxine-refractory sideroblastic anemia; ANEMIA, SIDEROBLASTIC, 1, PYRIDOXINE REFRACTORY; Anemia, hereditary sideroblastic 1, pyridoxine refractory; Anemia, sideroblastic, 1. Identifiers: Orphanet 75563, MedGen C4551511, MONDO:0020721, OMIM 300751. Disease mechanism: loss of function.

Submission:

Victorian Clinical Genetics Services, Murdoch Childrens Research Institute
Classification: Uncertain significance for X-linked sideroblastic anemia 1. Last evaluated: 2026-03-12. Review status: criteria provided, single submitter. Criteria: ACMG Guidelines, 2015. Collection method: clinical testing. Allele origin: germline. Affected: yes.
Comment: This variant is classified as VUS-3A. Evidence in support of pathogenic classification: Variant is absent from gnomAD (v2, v3 and v4); Missense variant with inconclusive in silico prediction and uninformative conservation. However, abnormal splicing is predicted by in silico tool and affected nucleotide is highly conserved. Additional information: Variant is predicted to result in a missense amino acid change from aspartic acid to asparagine. However, it should also be noted that this variant is a non-canonical splice site variant; This variant is heterozygous; This gene is associated with both X-linked recessive and dominant disease (OMIM); Alternative amino acid change(s) at the same position are present in gnomAD (Highest alelle count: v4: 1 heterozygote(s), 0 homozygote(s)) ; This variant has no previous evidence of pathogenicity; No published functional evidence has been identified for this variant; No comparable missense variants have previous evidence for pathogenicity; Variant is not located in an established domain, motif, hotspot or informative constraint region; Loss of function and gain of function are known mechanisms of disease in this gene and are associated with sideroblastic anaemia 1 (MIM#300751; PMID: 34781359) and erythropoietic protoporphyria (MIM#300752; PMID: 23263862), respectively. (I) - Variants in this gene are known to have variable expressivity. Variable severity has been reported for sideroblastic anaemia 1 (OMIM) - Inheritance information for this variant is not currently available in this individual.

Literature cited by the submitters: PubMed 23263862; PubMed 34781359.